The following is an entry in ClinVar:

ClinVar aggregate classification (germline): Likely benign (0 of 4 stars; one submission).

Conditions:
PTPRS-related disorder. Also called: PTPRS-related condition.

Allele frequency attached by ClinVar (database versions not stated): ESP Exome Variant Server 0.00077; TOPMed 0.00106; ExAC 0.00032; 1000 Genomes Project 0.00060; 1000 Genomes Project 30x 0.00062.
gnomAD v4.1: 390 of 1,614,098 alleles (0.024%); highest among the groups gnomAD compares: African/African-American, 0.32%; 1 homozygote.

Submission:

PreventionGenetics, part of Exact Sciences
Classification: Likely benign for PTPRS-related condition. Last evaluated: 2023-05-31. Review status: no assertion criteria provided. Collection method: clinical testing. Allele origin: germline.
Comment: This variant is classified as likely benign based on ACMG/AMP sequence variant interpretation guidelines (Richards et al. 2015 PMID: 25741868, with internal and published modifications).

NM_002850.4(PTPRS):c.3915C>G (p.Leu1305=)

Gene: PTPRS (protein tyrosine phosphatase receptor type S; minus strand). Cytogenetic location: 19p13.3.
Variant type: single nucleotide variant.
Coding change: c.3915C>G on transcript NM_002850.4 (MANE Select); coding-DNA position 3915, C replaced by G.
Protein change: p.Leu1305=; no amino-acid change (leucine 1305 retained).
Molecular consequence: synonymous variant.
Genome position (GRCh38, 1-based): chr19:5,219,318, G>C on the plus strand (C>G on the coding strand, the complement: PTPRS is on the minus strand). VCF-style: chr19-5219318-G-C. GRCh37 (hg19) VCF-style: chr19-5219329-G-C.
Other names: c.3849C>G, p.Leu1283= (NM_001394011.1, NM_001394013.1, NM_130854.3); c.3876C>G, p.Leu1292= (NM_001394012.1); c.2622C>G, p.Leu874= (NM_130853.3); c.2634C>G, p.Leu878= (NM_130855.3).
Identifiers: ClinVar variation 3047317 (VCV003047317.2), dbSNP rs138684038, ClinGen allele CA9109401.